The following is an entry in ClinVar:

NM_000212.3(ITGB3):c.*1479T>C

Genes: EFCAB13-DT (EFCAB13 divergent transcript; minus strand), ITGB3 (integrin subunit beta 3; plus strand). Cytogenetic location: 17q21.32.
Variant type: single nucleotide variant.
Coding change: c.*1479T>C on transcript NM_000212.3 (MANE Select); 1479 bases downstream of the stop codon, T replaced by C.
Molecular consequence: 3 prime UTR variant.
Genome position (GRCh38, 1-based): chr17:47,311,683, T>C. VCF-style: chr17-47311683-T-C. GRCh37 (hg19) VCF-style: chr17-45389049-T-C.
Identifiers: ClinVar variation 323895 (VCV000323895.5), dbSNP rs115310198, ClinGen allele CA10649564.

ClinVar aggregate classification (germline): Benign (1 of 4 stars; one submission).

Conditions:
Glanzmann thrombasthenia. Also called: PLATELET GLYCOPROTEIN IIb-IIIa DEFICIENCY; Thrombasthenia; Glanzmann's thrombasthenia; BLEEDING DISORDER, PLATELET-TYPE, 2; THROMBASTHENIA OF GLANZMANN AND NAEGELI. Identifiers: Orphanet 849, MedGen C0040015, MONDO:0100326.

Allele frequency attached by ClinVar (database versions not stated): 1000 Genomes Project 0.01018; 1000 Genomes Project 30x 0.01031; gnomAD 0.01061 and 0.01139; TOPMed 0.01210.

Submission:

Illumina Laboratory Services, Illumina
Classification: Benign for Glanzmann thrombasthenia 1. Last evaluated: 2018-01-13. Review status: criteria provided, single submitter. Criteria: ICSL Variant Classification Criteria 13 December 2019. Collection method: clinical testing. Allele origin: germline.
Comment: This variant was observed in the ICSL laboratory as part of a predisposition screen in an ostensibly healthy population. It had not been previously curated by ICSL or reported in the Human Gene Mutation Database (HGMD: prior to June 1st, 2018), and was therefore a candidate for classification through an automated scoring system. Utilizing variant allele frequency, disease prevalence and penetrance estimates, and inheritance mode, an automated score was calculated to assess if this variant is too frequent to cause the disease. Based on the score and internal cut-off values, a variant classified as benign is not then subjected to further curation. The score for this variant resulted in a classification of benign for this disease.